The following is an entry in ClinVar:

NM_145262.4(GLYCTK):c.28C>G (p.Arg10Gly)

Gene: GLYCTK (glycerate kinase; plus strand). Cytogenetic location: 3p21.2.
Variant type: single nucleotide variant.
Coding change: c.28C>G on transcript NM_145262.4 (MANE Select); coding-DNA position 28, C replaced by G.
Protein change: p.Arg10Gly; replaces arginine 10 with glycine.
Molecular consequence: missense variant. On other transcripts: non-coding transcript variant (3).
Genome position (GRCh38, 1-based): chr3:52,290,370, C>G. VCF-style: chr3-52290370-C-G. GRCh37 (hg19) VCF-style: chr3-52324386-C-G.
Other names: c.28C>G (NM_145262.3); c.28C>G, p.Arg10Gly (NM_001144951.2); short protein forms R10G.
Identifiers: ClinVar variation 2072805 (VCV002072805.3), dbSNP rs753960442, ClinGen allele CA2431975.

ClinVar aggregate classification (germline): Uncertain significance. Review status: criteria provided, multiple submitters, no conflicts (2 of 4 stars). 2 submissions from 2 submitters: Uncertain significance (2). Last evaluated 2025-06-18.

gnomAD v4.1: 66 of 1,600,818 alleles (0.0041%); highest among the groups gnomAD compares: Non-Finnish European, 0.005%; no homozygotes.

Submissions (2):

Ambry Genetics
Classification: Uncertain significance. Last evaluated: 2025-06-18. Review status: criteria provided, single submitter. Criteria: Ambry Variant Classification Scheme 2023. Collection method: clinical testing. Allele origin: germline.

Labcorp Genetics (formerly Invitae), Labcorp
Classification: Uncertain significance. Last evaluated: 2023-11-27. Review status: criteria provided, single submitter. Criteria: Invitae Variant Classification Sherloc (09022015). Collection method: clinical testing. Allele origin: germline.
Comment: This sequence change replaces arginine, which is basic and polar, with glycine, which is neutral and non-polar, at codon 10 of the GLYCTK protein (p.Arg10Gly). This variant is present in population databases (rs753960442, gnomAD 0.01%). This variant has not been reported in the literature in individuals affected with GLYCTK-related conditions. ClinVar contains an entry for this variant (Variation ID: 2072805). Algorithms developed to predict the effect of missense changes on protein structure and function output the following: SIFT: "Not Available"; PolyPhen-2: "Benign"; Align-GVGD: "Not Available". The glycine amino acid residue is found in multiple mammalian species, which suggests that this missense change does not adversely affect protein function. In summary, the available evidence is currently insufficient to determine the role of this variant in disease. Therefore, it has been classified as a Variant of Uncertain Significance.